The following is an entry in ClinVar:

ClinVar aggregate classification (germline): Uncertain significance. Review status: criteria provided, multiple submitters, no conflicts (2 of 4 stars). 2 submissions from 2 submitters: Uncertain significance (2). Last evaluated 2025-05-05.

Allele frequency attached by ClinVar (database versions not stated): TOPMed below 0.00001.

Submissions (2):

Ambry Genetics
Classification: Uncertain significance. Last evaluated: 2025-05-05. Review status: criteria provided, single submitter. Criteria: Ambry Variant Classification Scheme 2023. Collection method: clinical testing. Allele origin: germline.
Comment: The p.K771R variant (also known as c.2312A>G), located in coding exon 15 of the RINT1 gene, results from an A to G substitution at nucleotide position 2312. The lysine at codon 771 is replaced by arginine, an amino acid with highly similar properties. This amino acid position is conserved. In addition, this alteration is predicted to be tolerated by in silico analysis. Since supporting evidence is limited at this time, the clinical significance of this alteration remains unclear.

Labcorp Genetics (formerly Invitae), Labcorp
Classification: Uncertain significance. Last evaluated: 2024-05-06. Review status: criteria provided, single submitter. Criteria: Invitae Variant Classification Sherloc (09022015). Collection method: clinical testing. Allele origin: germline.
Comment: This sequence change replaces lysine, which is basic and polar, with arginine, which is basic and polar, at codon 771 of the RINT1 protein (p.Lys771Arg). This variant is not present in population databases (gnomAD no frequency). This variant has not been reported in the literature in individuals affected with RINT1-related conditions. ClinVar contains an entry for this variant (Variation ID: 951869). An algorithm developed to predict the effect of missense changes on protein structure and function (PolyPhen-2) suggests that this variant is likely to be disruptive. In summary, the available evidence is currently insufficient to determine the role of this variant in disease. Therefore, it has been classified as a Variant of Uncertain Significance.

NM_021930.6(RINT1):c.2312A>G (p.Lys771Arg)

Genes: EFCAB10 (EF-hand calcium binding domain 10; minus strand), RINT1 (RAD50 interactor 1; plus strand). Cytogenetic location: 7q22.3.
Variant type: single nucleotide variant.
Coding change: c.2312A>G on transcript NM_021930.6 (MANE Select); coding-DNA position 2312, A replaced by G.
Protein change: p.Lys771Arg; replaces lysine 771 with arginine.
Molecular consequence: missense variant. On other transcripts: 3 prime UTR variant (2), non-coding transcript variant (1), intron variant (3).
Genome position (GRCh38, 1-based): chr7:105,567,244, A>G. VCF-style: chr7-105567244-A-G. GRCh37 (hg19) VCF-style: chr7-105207691-A-G.
Other names: c.*210T>C (NM_001355527.2, NM_001355529.2); c.2078A>G, p.Lys693Arg (NM_001346599.2); c.1289A>G, p.Lys430Arg (NM_001346600.2, NM_001346603.2); c.1388A>G, p.Lys463Arg (NM_001346601.2); c.360-1797T>C (NM_001355531.2); c.383+223T>C (NM_001355526.2, NM_001355530.2); short protein forms K463R, K693R, K771R, K430R.
Identifiers: ClinVar variation 951869 (VCV000951869.12), dbSNP rs1791804534, ClinGen allele CA368815614.
Genomic context (GRCh38, chr7:105,567,244, plus strand): 5'-TGCAGTCAGCTTCAGGGCAGCTTCCTGCCACAGCAGCATTAAATGAAGTTGGAATTTACA[A>G]ACTGGCTCAACAAGATGTTGAGATTCTACTTAATTTGAGGACAAATTGGCCTAATACTGG-3'
Protein context (NP_068749.3, residues 761-781): TAALNEVGIY[Lys771Arg]LAQQDVEILL